The following is an entry in ClinVar:

ClinVar aggregate classification (germline): Benign. Review status: criteria provided, multiple submitters, no conflicts (2 of 4 stars). 2 submissions from 2 submitters: Benign (2). Last evaluated 2018-06-14.

Allele frequency attached by ClinVar (database versions not stated): 1000 Genomes Project 30x 0.31012; 1000 Genomes Project 0.31230; TOPMed 0.32106; gnomAD exomes 0.38706.
gnomAD v4.1: 229,228 of 609,240 alleles (38%); highest among the groups gnomAD compares: South Asian, 56%; 46,263 homozygotes.

Submissions (2):

GeneDx
Classification: Benign. Last evaluated: 2018-06-14. Review status: criteria provided, single submitter. Criteria: GeneDx Variant Classification (06012015). Collection method: clinical testing. Allele origin: germline. Affected: yes.
Comment: This variant is considered likely benign or benign based on one or more of the following criteria: it is a conservative change, it occurs at a poorly conserved position in the protein, it is predicted to be benign by multiple in silico algorithms, and/or has population frequency not consistent with disease.

Breakthrough Genomics
Classification: Benign. Review status: criteria provided, single submitter. Criteria: ACMG Guidelines, 2015. Collection method: not provided. Allele origin: germline. Inheritance: Autosomal dominant inheritance. Affected: yes.

NM_015443.4(KANSL1):c.2203+225G>T

Gene: KANSL1 (KAT8 regulatory NSL complex subunit 1). Cytogenetic location: 17q21.31.
Variant type: single nucleotide variant.
Coding change: c.2203+225G>T on transcript NM_015443.4 (MANE Select); 225 bases into the intron after coding-DNA position 2203, G replaced by T.
Molecular consequence: intron variant.
Genome position (GRCh38, 1-based): chr17:46,039,477, C>A on the plus strand (G>T on the coding strand, the complement: KANSL1 is on the minus strand). VCF-style: chr17-46039477-C-A. GRCh37 (hg19) VCF-style: chr17-44116843-C-A.
Other names: c.2203+225G>T (NM_001193465.2, NM_001379198.1, NM_001193466.2).
Identifiers: ClinVar variation 682029 (VCV000682029.2), dbSNP rs16940845, ClinGen allele CA14404223.